The following is an entry in ClinVar:

ClinVar aggregate classification (germline): Pathogenic (1 of 4 stars; one submission).

Allele frequency attached by ClinVar (database versions not stated): gnomAD exomes 0.00001.

Submission:

Labcorp Genetics (formerly Invitae), Labcorp
Classification: Pathogenic. Last evaluated: 2022-01-28. Review status: criteria provided, single submitter. Criteria: Invitae Variant Classification Sherloc (09022015). Collection method: clinical testing. Allele origin: germline.
Comment: For these reasons, this variant has been classified as Pathogenic. This variant has not been reported in the literature in individuals affected with C7-related conditions. This variant is not present in population databases (gnomAD no frequency). This sequence change creates a premature translational stop signal (p.Gln261*) in the C7 gene. It is expected to result in an absent or disrupted protein product. Loss-of-function variants in C7 are known to be pathogenic (PMID: 9856499, 17407100).

Literature cited by the submitters: PubMed 9856499; PubMed 17407100.

NM_000587.4(C7):c.781C>T (p.Gln261Ter)

Gene: C7 (complement C7; plus strand). Cytogenetic location: 5p13.1.
Variant type: single nucleotide variant.
Coding change: c.781C>T on transcript NM_000587.4 (MANE Select); coding-DNA position 781, C replaced by T.
Protein change: p.Gln261Ter; replaces glutamine 261 with a stop codon.
Molecular consequence: nonsense.
Genome position (GRCh38, 1-based): chr5:40,947,644, C>T. VCF-style: chr5-40947644-C-T. GRCh37 (hg19) VCF-style: chr5-40947746-C-T.
Other names: short protein forms Q261*.
Identifiers: ClinVar variation 2053213 (VCV002053213.4), dbSNP rs1740078926, ClinGen allele CA359582407.